The following is an entry in ClinVar:

ClinVar aggregate classification (germline): Uncertain significance. Review status: criteria provided, multiple submitters, no conflicts (2 of 4 stars). 3 submissions from 3 submitters: Uncertain significance (2). 1 of the submissions does not count toward it. Last evaluated 2022-12-14.

Conditions:
Congenital lactic acidosis, Saguenay-Lac-Saint-Jean type (MC4DN5). Also called: CYTOCHROME c OXIDASE DEFICIENCY, FRENCH CANADIAN TYPE; COX DEFICIENCY, FRENCH CANADIAN TYPE; MITOCHONDRIAL COMPLEX IV DEFICIENCY, NUCLEAR TYPE 5. Identifiers: Orphanet 70472, MedGen C1857355, MONDO:0009069, OMIM 220111.

Allele frequency attached by ClinVar (database versions not stated): gnomAD exomes below 0.00001 and 0.00001; TOPMed 0.00002.
gnomAD v4.1: 5 of 1,613,414 alleles (0.00031%); highest among the groups gnomAD compares: Admixed American, 0.0017%; no homozygotes.

Submissions (3):

GeneDx
Classification: Uncertain significance. Last evaluated: 2022-12-14. Review status: criteria provided, single submitter. Criteria: GeneDx Variant Classification Process June 2021. Collection method: clinical testing. Allele origin: germline. Affected: yes.
Comment: Not observed at significant frequency in large population cohorts (gnomAD); In silico analysis supports that this missense variant has a deleterious effect on protein structure/function; Has not been previously published as pathogenic or benign to our knowledge

Fulgent Genetics
Classification: Uncertain significance for Congenital lactic acidosis, Saguenay-Lac-Saint-Jean type. Last evaluated: 2021-08-19. Review status: criteria provided, single submitter. Criteria: ACMG Guidelines, 2015. Collection method: clinical testing. Allele origin: unknown.

Natera, Inc.
Classification: Uncertain significance for French-Canadian type Leigh syndrome. Last evaluated: 2020-09-08. Review status: no assertion criteria provided. Collection method: clinical testing. Allele origin: germline. Not counted in ClinVar's aggregate classification.

NM_133259.4(LRPPRC):c.808T>C (p.Tyr270His)

Gene: LRPPRC (leucine rich pentatricopeptide repeat containing; minus strand). Cytogenetic location: 2p21.
Variant type: single nucleotide variant.
Coding change: c.808T>C on transcript NM_133259.4 (MANE Select); coding-DNA position 808, T replaced by C.
Protein change: p.Tyr270His; replaces tyrosine 270 with histidine.
Molecular consequence: missense variant.
Genome position (GRCh38, 1-based): chr2:43,975,147, A>G on the plus strand (T>C on the coding strand, the complement: LRPPRC is on the minus strand). VCF-style: chr2-43975147-A-G. GRCh37 (hg19) VCF-style: chr2-44202286-A-G.
Other names: c.808T>C (NM_133259.3); short protein forms Y270H.
Identifiers: ClinVar variation 991300 (VCV000991300.3), dbSNP rs946957597, ClinGen allele CA46444884.